The following is an entry in ClinVar:

ClinVar aggregate classification (germline): Benign (1 of 4 stars; one submission).

Conditions:
Hereditary diffuse gastric adenocarcinoma (HDGC). Also called: DIFFUSE GASTRIC AND LOBULAR BREAST CANCER SYNDROME. Identifiers: Orphanet 26106, MedGen C1708349, MONDO:0007648, OMIM 137215.

Submission:

Myriad Genetics, Inc.
Classification: Benign for Hereditary diffuse gastric adenocarcinoma. Last evaluated: 2024-10-11. Review status: criteria provided, single submitter. Criteria: Myriad Autosomal Dominant, Autosomal Recessive and X-Linked Classification Criteria (2023). Collection method: clinical testing. Allele origin: unknown.
Comment: This variant is considered benign. This variant is a silent/synonymous amino acid change and it is not expected to impact splicing.

NM_001903.5(CTNNA1):c.1221T>A (p.Ala407=)

Gene: CTNNA1 (catenin alpha 1; plus strand). Cytogenetic location: 5q31.2.
Variant type: single nucleotide variant.
Coding change: c.1221T>A on transcript NM_001903.5 (MANE Select); coding-DNA position 1221, T replaced by A.
Protein change: p.Ala407=; no amino-acid change (alanine 407 retained).
Molecular consequence: synonymous variant. On other transcripts: 5 prime UTR variant (5), intron variant (2).
Genome position (GRCh38, 1-based): chr5:138,887,567, T>A. VCF-style: chr5-138887567-T-A. GRCh37 (hg19) VCF-style: chr5-138223256-T-A.
Other names: c.111T>A, p.Ala37= (NM_001324004.1, NM_001324005.1, NM_001324011.1 and 18 more transcripts); c.-287T>A (NM_001324006.1, NM_001324007.1, NM_001324008.1 and 1 more transcripts); c.-162T>A (NM_001324013.1); c.-58+11970T>A (NM_001324012.1); c.-61+11970T>A (NM_001324010.1); c.1221T>A, p.Ala407= (NM_001290307.3, NM_001323982.2, NM_001323983.1 and 3 more transcripts); c.912T>A, p.Ala304= (NM_001290309.3); c.852T>A, p.Ala284= (NM_001290310.3).
Identifiers: ClinVar variation 3773293 (VCV003773293.1).